The following is an entry in ClinVar:

ClinVar aggregate classification (germline): Likely pathogenic (1 of 4 stars; one submission).

Submission:

GeneDx
Classification: Likely pathogenic. Last evaluated: 2023-12-31. Review status: criteria provided, single submitter. Criteria: GeneDx Variant Classification Process June 2021. Collection method: clinical testing. Allele origin: germline. Affected: yes.
Comment: In silico analysis supports that this missense variant has a deleterious effect on protein structure/function; Missense variants in this gene are a common cause of disease and they are underrepresented in the general population; This substitution is predicted to be within the C-terminal cytoplasmic domain.; Not observed at significant frequency in large population cohorts (gnomAD); Has not been previously published as pathogenic or benign to our knowledge; This variant is associated with the following publications: (PMID: 32005694)

NM_001165963.4(SCN1A):c.5623G>T (p.Val1875Phe)

Genes: SCN1A (sodium voltage-gated channel alpha subunit 1; minus strand), LOC102724058 (uncharacterized LOC102724058; plus strand). Cytogenetic location: 2q24.3.
Variant type: single nucleotide variant.
Coding change: c.5623G>T on transcript NM_001165963.4 (MANE Select); coding-DNA position 5623, G replaced by T.
Protein change: p.Val1875Phe; replaces valine 1875 with phenylalanine.
Molecular consequence: missense variant. On other transcripts: non-coding transcript variant (1).
Genome position (GRCh38, 1-based): chr2:165,991,652, C>A on the plus strand (G>T on the coding strand, the complement: SCN1A is on the minus strand). VCF-style: chr2-165991652-C-A. GRCh37 (hg19) VCF-style: chr2-166848162-C-A.
Other names: c.5539G>T, p.Val1847Phe (NM_001165964.3, NM_001353957.2, NM_001353958.2); c.5623G>T, p.Val1875Phe (NM_001202435.3, NM_001353948.2); c.5590G>T, p.Val1864Phe (NM_001353949.2, NM_001353950.2, NM_001353951.2 and 2 more transcripts); c.5587G>T, p.Val1863Phe (NM_001353954.2, NM_001353955.2); c.5536G>T, p.Val1846Phe (NM_001353960.2); c.3181G>T, p.Val1061Phe (NM_001353961.2); short protein forms V1061F, V1846F, V1847F, V1863F, V1864F, V1875F.
Identifiers: ClinVar variation 1305714 (VCV001305714.3), dbSNP rs2105425295, ClinGen allele CA349065121.